The following is an entry in ClinVar:

ClinVar aggregate classification (germline): Benign/Likely benign. Review status: criteria provided, multiple submitters, no conflicts (2 of 4 stars). 3 submissions from 3 submitters: Benign (1); Likely benign (1). 1 of the submissions does not count toward it. Last evaluated 2025-10-28.

Conditions:
FAT1-related disorder. Also called: FAT1-related condition.

Allele frequency attached by ClinVar (database versions not stated): gnomAD 0.00018; gnomAD exomes 0.00020; TOPMed 0.00025; ExAC 0.00041; 1000 Genomes Project 30x 0.00109; 1000 Genomes Project 0.00120.
gnomAD v4.1: 325 of 1,613,952 alleles (0.02%); highest among the groups gnomAD compares: East Asian, 0.32%; 1 homozygote.

Submissions (3):

Labcorp Genetics (formerly Invitae), Labcorp
Classification: Benign. Last evaluated: 2025-10-28. Review status: criteria provided, single submitter. Criteria: Invitae Variant Classification Sherloc (09022015). Collection method: clinical testing. Allele origin: germline.

Blueprint Genetics
Classification: Likely benign. Last evaluated: 2024-10-03. Review status: criteria provided, single submitter. Criteria: ACMG Guidelines, 2015. Collection method: clinical testing. Allele origin: germline.

PreventionGenetics, part of Exact Sciences
Classification: Likely benign for FAT1-related condition. Last evaluated: 2021-08-25. Review status: no assertion criteria provided. Collection method: clinical testing. Allele origin: germline. Not counted in ClinVar's aggregate classification.
Comment: This variant is classified as likely benign based on ACMG/AMP sequence variant interpretation guidelines (Richards et al. 2015 PMID: 25741868, with internal and published modifications).

NM_005245.4(FAT1):c.6498G>A (p.Ala2166=)

Gene: FAT1 (FAT atypical cadherin 1; minus strand). Cytogenetic location: 4q35.2.
Variant type: single nucleotide variant.
Coding change: c.6498G>A on transcript NM_005245.4 (MANE Select); coding-DNA position 6498, G replaced by A.
Protein change: p.Ala2166=; no amino-acid change (alanine 2166 retained).
Molecular consequence: synonymous variant.
Genome position (GRCh38, 1-based): chr4:186,620,088, C>T on the plus strand (G>A on the coding strand, the complement: FAT1 is on the minus strand). VCF-style: chr4-186620088-C-T. GRCh37 (hg19) VCF-style: chr4-187541242-C-T.
Other names: c.6498G>A (NM_005245.3).
Identifiers: ClinVar variation 2037566 (VCV002037566.7), dbSNP rs142162176, ClinGen allele CA3166239.